The following is an entry in ClinVar:

NM_032578.4(MYPN):c.3934C>T (p.Arg1312Trp)

Gene: MYPN (myopalladin; plus strand). Cytogenetic location: 10q21.3.
Variant type: single nucleotide variant.
Coding change: c.3934C>T on transcript NM_032578.4 (MANE Select); coding-DNA position 3934, C replaced by T.
Protein change: p.Arg1312Trp; replaces arginine 1312 with tryptophan.
Molecular consequence: missense variant. On other transcripts: non-coding transcript variant (2).
Genome position (GRCh38, 1-based): chr10:68,210,426, C>T. VCF-style: chr10-68210426-C-T. GRCh37 (hg19) VCF-style: chr10-69970183-C-T.
Other names: c.3934C>T, p.Arg1312Trp (NM_001256267.2); c.3052C>T, p.Arg1018Trp (NM_001256268.2); short protein forms R1312W, R1018W.
Identifiers: ClinVar variation 191760 (VCV000191760.38), dbSNP rs142354704, ClinGen allele CA237478.

ClinVar aggregate classification (germline): Conflicting classifications of pathogenicity. Review status: criteria provided, conflicting classifications (1 of 4 stars). 10 submissions from 10 submitters: Uncertain significance (4); Likely benign (6). Last evaluated 2026-02-18.

Conditions:
MYPN-related disorder. Also called: MYPN-related condition.
Cardiovascular phenotype. Identifiers: MedGen CN230736.
Dilated cardiomyopathy 1KK (CMD1KK). Identifiers: Orphanet 154, Orphanet 75249, MedGen C3714995, MONDO:0014100, OMIM 615248.
Primary dilated cardiomyopathy (DCM). Also called: Dilated Cardiomyopathy. Identifiers: Orphanet 217604, MedGen C0007193, MeSH D002311, MONDO:0005021, HP:0001644. Inheritance: Various modes of inheritance.

Allele frequency attached by ClinVar (database versions not stated): ESP Exome Variant Server 0.00008; gnomAD exomes 0.00010 and 0.00026; TOPMed 0.00011; gnomAD 0.00012 and 0.00015; ExAC 0.00016; 1000 Genomes Project 30x 0.00062; 1000 Genomes Project 0.00080.
gnomAD v4.1: 171 of 1,614,090 alleles (0.011%); highest among the groups gnomAD compares: East Asian, 0.16%; no homozygotes.

Submissions (10):

PreventionGenetics, part of Exact Sciences
Classification: Likely benign for MYPN-related condition. Last evaluated: 2026-02-18. Review status: criteria provided, single submitter. Criteria: ACMG Guidelines, 2015. Collection method: clinical testing. Allele origin: germline.
Comment: This variant is classified as likely benign based on ACMG/AMP sequence variant interpretation guidelines (Richards et al. 2015 PMID: 25741868, with internal and published modifications).

Labcorp Genetics (formerly Invitae), Labcorp
Classification: Likely benign for Dilated cardiomyopathy 1KK. Last evaluated: 2026-01-06. Review status: criteria provided, single submitter. Criteria: Invitae Variant Classification Sherloc (09022015). Collection method: clinical testing. Allele origin: germline.

Mayo Clinic Laboratories, Mayo Clinic
Classification: Likely benign. Last evaluated: 2024-12-30. Review status: criteria provided, single submitter. Criteria: ACMG Guidelines, 2015. Collection method: clinical testing. Allele origin: germline. Observed: 1 variant allele.
Comment: BS1, BP4_moderate

Blueprint Genetics
Classification: Likely benign. Last evaluated: 2024-10-04. Review status: criteria provided, single submitter. Criteria: ACMG Guidelines, 2015. Collection method: clinical testing. Allele origin: germline.

Clinical Center for Gene Diagnosis and Therapy, Department of Cardiovascular Surgery, The Second Xiangya Hospital of Central South University
Classification: Uncertain significance for Primary dilated cardiomyopathy. Last evaluated: 2023-06-01. Review status: criteria provided, single submitter. Criteria: ACMG Guidelines, 2015. Collection method: clinical testing. Allele origin: germline. Affected: yes.

Revvity Omics, Revvity
Classification: Uncertain significance. Last evaluated: 2020-12-28. Review status: criteria provided, single submitter. Criteria: ACMG Guidelines, 2015. Collection method: clinical testing. Allele origin: germline.

Ambry Genetics
Classification: Likely benign for Cardiovascular phenotype. Last evaluated: 2020-08-13. Review status: criteria provided, single submitter. Criteria: Ambry Variant Classification Scheme 2023. Collection method: clinical testing. Allele origin: germline.

GeneDx
Classification: Likely benign. Last evaluated: 2020-01-21. Review status: criteria provided, single submitter. Criteria: GeneDx Variant Classification Process June 2021. Collection method: clinical testing. Allele origin: germline. Affected: yes.
Comment: This variant is associated with the following publications: (PMID: 30847666, 23861362)

ARUP Laboratories, Molecular Genetics and Genomics, ARUP Laboratories
Classification: Uncertain significance. Last evaluated: 2017-05-26. Review status: criteria provided, single submitter. Criteria: ARUP Molecular Germline Variant Investigation Process. Collection method: clinical testing. Allele origin: germline.
Comment: The p.Arg1312Trp variant (rs142354704) has been previously observed in a single individual included in a large cohort of cardiomyopathy patients (Ng 2013) and is listed in the ClinVar database as a variant of uncertain significance (Variation ID: 191760). It is listed in the Genome Aggregation Database (gnomAD) browser with a frequency in East Asian populations of 0.25% (identified in 48 out of 18,870 chromosomes). The arginine at codon 1312 is moderately conserved considering 11 species (Alamut software v2.9), and computational analyses return mixed results regarding the effect of this variant on MYPN protein structure/function (SIFT: damaging, PolyPhen2: benign, and Mutation Taster: disease causing). Thus, based on the available information, the clinical significance of the p.Arg1312Trp variant cannot be determined with certainty.

Biesecker Lab/Clinical Genomics Section, National Institutes of Health
Classification: Uncertain significance. Last evaluated: 2013-06-24. Review status: criteria provided, single submitter. Criteria: Ng et al. (Circ Cardiovasc Genet. 2013). Collection method: research. Allele origin: unknown. Observed: 1 variant allele. Study: ClinSeq.
Comment: The study set was not selected for affection status in relation to any cancer. Pathogenicity categories were based on literature curation. See Pubmed ID:23861362 for details.

Medical sequencing

Literature cited by the submitters: PubMed 30847666 (cited by Mayo Clinic Laboratories, Mayo Clinic and Ambry Genetics).